The following is an entry in ClinVar:

NM_002373.6(MAP1A):c.5938G>A (p.Gly1980Ser)

Gene: MAP1A (microtubule associated protein 1A; plus strand). Cytogenetic location: 15q15.3.
Variant type: single nucleotide variant.
Coding change: c.5938G>A on transcript NM_002373.6 (MANE Select); coding-DNA position 5938, G replaced by A.
Protein change: p.Gly1980Ser; replaces glycine 1980 with serine.
Molecular consequence: missense variant.
Genome position (GRCh38, 1-based): chr15:43,527,411, G>A. VCF-style: chr15-43527411-G-A. GRCh37 (hg19) VCF-style: chr15-43819609-G-A.
Other names: c.6652G>A, p.Gly2218Ser (NM_001411089.1); short protein forms G1980S, G2218S.
Identifiers: ClinVar variation 3542561 (VCV003542561.2).

ClinVar aggregate classification (germline): Uncertain significance. Review status: criteria provided, multiple submitters, no conflicts (2 of 4 stars). 2 submissions from 2 submitters: Uncertain significance (2). Last evaluated 2025-10-01.

Conditions:
MAP1A-related disorder. Also called: MAP1A-related condition.

gnomAD v4.1: 3 of 1,614,068 alleles (0.00019%); highest among the groups gnomAD compares: Admixed American, 0.0017%; no homozygotes.

Submissions (2):

PreventionGenetics, part of Exact Sciences
Classification: Uncertain significance for MAP1A-related condition. Last evaluated: 2025-10-01. Review status: criteria provided, single submitter. Criteria: ACMG Guidelines, 2015. Collection method: clinical testing. Allele origin: germline.
Comment: The MAP1A c.5938G>A variant is predicted to result in the amino acid substitution p.Gly1980Ser. To our knowledge, this variant has not been reported in the literature or in a large population database (gnomAD), indicating this variant is rare. At this time, the clinical significance of this variant is uncertain due to the absence of conclusive functional and genetic evidence.

Ambry Genetics
Classification: Uncertain significance. Last evaluated: 2024-11-12. Review status: criteria provided, single submitter. Criteria: Ambry Variant Classification Scheme 2023. Collection method: clinical testing. Allele origin: germline.